The following is an entry in ClinVar:

NM_001242896.3(DEPDC5):c.2660A>T (p.His887Leu)

Gene: DEPDC5 (DEP domain containing 5, GATOR1 subcomplex subunit; plus strand). Cytogenetic location: 22q12.3.
Variant type: single nucleotide variant.
Coding change: c.2660A>T on transcript NM_001242896.3 (MANE Select); coding-DNA position 2660, A replaced by T.
Protein change: p.His887Leu; replaces histidine 887 with leucine.
Molecular consequence: missense variant. On other transcripts: non-coding transcript variant (5).
Genome position (GRCh38, 1-based): chr22:31,843,671, A>T. VCF-style: chr22-31843671-A-T. GRCh37 (hg19) VCF-style: chr22-32239657-A-T.
Other names: c.2633A>T, p.His878Leu (NM_001136029.4, NM_001369903.1, NM_014662.6); c.2426A>T, p.His809Leu (NM_001242897.2, NM_001363854.2, NM_001364319.2); c.2660A>T, p.His887Leu (NM_001363852.2, NM_001364318.2, NM_001364320.2); c.2576A>T, p.His859Leu (NM_001369901.1, NM_001369902.1); short protein forms H859L, H887L, H878L, H809L.
Identifiers: ClinVar variation 2727826 (VCV002727826.3), dbSNP rs1343957567, ClinGen allele CA411289676.

ClinVar aggregate classification (germline): Uncertain significance (1 of 4 stars; one submission).

Conditions:
Familial focal epilepsy with variable foci (FPEVF). Identifiers: Orphanet 98820, MedGen C1858477, MONDO:0020310.

Allele frequency attached by ClinVar (database versions not stated): gnomAD 0.00001; gnomAD exomes 0.00001; TOPMed 0.00001.

Submission:

Labcorp Genetics (formerly Invitae), Labcorp
Classification: Uncertain significance for Familial focal epilepsy with variable foci. Last evaluated: 2023-02-25. Review status: criteria provided, single submitter. Criteria: Invitae Variant Classification Sherloc (09022015). Collection method: clinical testing. Allele origin: germline.
Comment: In summary, the available evidence is currently insufficient to determine the role of this variant in disease. Therefore, it has been classified as a Variant of Uncertain Significance. Experimental studies and prediction algorithms are not available or were not evaluated, and the functional significance of this variant is currently unknown. This variant has not been reported in the literature in individuals affected with DEPDC5-related conditions. This variant is not present in population databases (gnomAD no frequency). This sequence change replaces histidine, which is basic and polar, with leucine, which is neutral and non-polar, at codon 887 of the DEPDC5 protein (p.His887Leu).